The following is an entry in ClinVar:

NM_152564.5(VPS13B):c.5803T>G (p.Ser1935Ala)

Gene: VPS13B (vacuolar protein sorting 13 homolog B; plus strand). Cytogenetic location: 8q22.2.
Variant type: single nucleotide variant.
Coding change: c.5803T>G on transcript NM_152564.5 (MANE Select); coding-DNA position 5803, T replaced by G.
Protein change: p.Ser1935Ala; replaces serine 1935 with alanine.
Molecular consequence: missense variant.
Genome position (GRCh38, 1-based): chr8:99,642,393, T>G. VCF-style: chr8-99642393-T-G. GRCh37 (hg19) VCF-style: chr8-100654621-T-G.
Other names: p.Ser1960Ala; c.5803T>G (NM_152564.4); c.5878T>G, p.Ser1960Ala (NM_017890.5); short protein forms S1935A, S1960A.
Identifiers: ClinVar variation 130727 (VCV000130727.29), dbSNP rs138930771, ClinGen allele CA231644.
Genomic context (GRCh38, chr8:99,642,393, plus strand): 5'-CAGCCTGGTCGAAGAGGAACTGGTGACTTACAGCTAGAGCCTTTTCTGTACTTTATTGTG[T>G]CCCAGCCTTCCTTGCTTCTGAGTTGTCACCACAGAAAGCAGCGAGTGGAAGTATCCATTT-3'
Protein context (NP_689777.3, residues 1925-1945): QLEPFLYFIV[Ser1935Ala]QPSLLLSCHH

ClinVar aggregate classification (germline): Conflicting classifications of pathogenicity. Review status: criteria provided, conflicting classifications (1 of 4 stars). 12 submissions from 12 submitters: Uncertain significance (5); Likely benign (4). 3 of the submissions do not count toward it. Last evaluated 2026-01-25.

Conditions:
Inborn genetic diseases. Identifiers: MedGen C0950123, MeSH D030342.
Cohen syndrome (COH1). Also called: Cutis verticis gyrata, retinitis pigmentosa, and sensorineural deafness; PEPPER SYNDROME. Identifiers: Orphanet 193, MedGen C0265223, MONDO:0008999, OMIM 216550.
VPS13B-related disorder. Also called: VPS13B-related condition.

Allele frequency attached by ClinVar (database versions not stated): gnomAD exomes 0.00004 and 0.00012; 1000 Genomes Project 30x 0.00016; ExAC 0.00016; 1000 Genomes Project 0.00020; gnomAD 0.00050 and 0.00053; ESP Exome Variant Server 0.00062; TOPMed 0.00064.
gnomAD v4.1: 141 of 1,614,120 alleles (0.0087%); highest among the groups gnomAD compares: African/African-American, 0.16%; no homozygotes.

Submissions (12):

Labcorp Genetics (formerly Invitae), Labcorp
Classification: Likely benign for Cohen syndrome. Last evaluated: 2026-01-25. Review status: criteria provided, single submitter. Criteria: Invitae Variant Classification Sherloc (09022015). Collection method: clinical testing. Allele origin: germline.

GeneDx
Classification: Uncertain significance. Last evaluated: 2025-11-19. Review status: criteria provided, single submitter. Criteria: GeneDx Variant Classification Process June 2021. Collection method: clinical testing. Allele origin: germline. Affected: yes.
Comment: Reported previously in an individual with intellectual disability, autism spectrum disorder, dysmorphic features, and abnormal brain MRI who also had a second variant in the VPS13B gene. However, the individual also harbored a variant in the EHTM1 gene, and the authors attributed the clinical phenotype to the EHTM1 variant (PMID: 28057753); In silico analysis suggests that this missense variant does not alter protein structure/function; This variant is associated with the following publications: (PMID: 28057753, 37160720)

Mayo Clinic Laboratories, Mayo Clinic
Classification: Likely benign. Last evaluated: 2025-07-15. Review status: criteria provided, single submitter. Criteria: ACMG Guidelines, 2015. Collection method: clinical testing. Allele origin: germline. Observed: 2 variant alleles.
Comment: BP1, BP4_moderate

Fulgent Genetics
Classification: Uncertain significance for Cohen syndrome. Last evaluated: 2024-01-05. Review status: criteria provided, single submitter. Criteria: ACMG Guidelines, 2015. Collection method: clinical testing. Allele origin: germline.

Women's Health and Genetics/Laboratory Corporation of America, LabCorp
Classification: Uncertain significance. Last evaluated: 2023-02-15. Review status: criteria provided, single submitter. Criteria: LabCorp Variant Classification Summary - May 2015. Collection method: clinical testing. Allele origin: germline.
Comment: Variant summary: VPS13B c.5878T>G (p.Ser1960Ala) results in a conservative amino acid change in the encoded protein sequence. Three of five in-silico tools predict a benign effect of the variant on protein function. The variant allele was found at a frequency of 0.00012 in 251162 control chromosomes. This frequency is not significantly higher than estimated for a pathogenic variant in VPS13B causing Cohen Syndrome (0.00012 vs 0.0025), allowing no conclusion about variant significance. To our knowledge, no occurrence of c.5878T>G in individuals affected with Cohen Syndrome and no experimental evidence demonstrating its impact on protein function have been reported. Five clinical diagnostic laboratories have submitted clinical-significance assessments for this variant to ClinVar after 2014 without evidence for independent evaluation (likely benign n=1, VUS n=4). Based on the evidence outlined above, the variant was classified as uncertain significance.

Blueprint Genetics
Classification: Likely benign. Last evaluated: 2022-08-08. Review status: criteria provided, single submitter. Criteria: ACMG Guidelines, 2015. Collection method: clinical testing. Allele origin: germline.

Ambry Genetics
Classification: Likely benign for Inborn genetic diseases. Last evaluated: 2022-05-25. Review status: criteria provided, single submitter. Criteria: Ambry Variant Classification Scheme 2023. Collection method: clinical testing. Allele origin: germline.

Genetic Services Laboratory, University of Chicago
Classification: Uncertain significance. Last evaluated: 2014-03-18. Review status: criteria provided, single submitter. Criteria: ACMG Guidelines, 2007. Collection method: clinical testing. Allele origin: germline. Inheritance: Autosomal recessive inheritance.

Breakthrough Genomics
Classification: Uncertain significance. Review status: criteria provided, single submitter. Criteria: ACMG Guidelines, 2015. Collection method: not provided. Allele origin: germline. Inheritance: Autosomal recessive inheritance. Affected: yes.

PreventionGenetics, part of Exact Sciences
Classification: Likely benign for VPS13B-related condition. Last evaluated: 2024-04-02. Review status: no assertion criteria provided. Collection method: clinical testing. Allele origin: germline. Not counted in ClinVar's aggregate classification.
Comment: This variant is classified as likely benign based on ACMG/AMP sequence variant interpretation guidelines (Richards et al. 2015 PMID: 25741868, with internal and published modifications).

Natera, Inc.
Classification: Uncertain significance for Cohen syndrome. Last evaluated: 2019-10-29. Review status: no assertion criteria provided. Collection method: clinical testing. Allele origin: germline. Not counted in ClinVar's aggregate classification.

Service de Génétique Moléculaire, Hôpital Robert Debré
Classification: Likely pathogenic for Cohen syndrome. Review status: no assertion criteria provided. Collection method: clinical testing. Allele origin: unknown. Affected: yes. Not counted in ClinVar's aggregate classification.